The following is an entry in ClinVar:

NM_032193.4(RNASEH2C):c.377T>G (p.Phe126Cys)

Gene: RNASEH2C (ribonuclease H2 subunit C; minus strand). Cytogenetic location: 11q13.1.
Variant type: single nucleotide variant.
Coding change: c.377T>G on transcript NM_032193.4 (MANE Select); coding-DNA position 377, T replaced by G.
Protein change: p.Phe126Cys; replaces phenylalanine 126 with cysteine.
Molecular consequence: missense variant.
Genome position (GRCh38, 1-based): chr11:65,720,136, A>C on the plus strand (T>G on the coding strand, the complement: RNASEH2C is on the minus strand). VCF-style: chr11-65720136-A-C. GRCh37 (hg19) VCF-style: chr11-65487607-A-C.
Other names: short protein forms F126C.
Identifiers: ClinVar variation 1365507 (VCV001365507.4), dbSNP rs1426277096, ClinGen allele CA381298093.
Genomic context (GRCh38, chr11:65,720,136, plus strand): 5'-CCACGCACTTTGGCATCCGGGCCAGGGATGGTCTCCAGACCCCACAGGGTGAAGCGGCTG[A>C]AGTTGGCAGTGGCTCCAATGAAGCGGTCCTGGGGAAGGGGCCTGGCTCAGCATCGGGACT-3'
Protein context (NP_115569.2, residues 116-136): FDRFIGATAN[Phe126Cys]SRFTLWGLET

ClinVar aggregate classification (germline): Uncertain significance (1 of 4 stars; one submission).

Conditions:
Aicardi-Goutieres syndrome 3. Identifiers: Orphanet 51, MedGen C1835916, MONDO:0012471, OMIM 610329.

Allele frequency attached by ClinVar (database versions not stated): gnomAD exomes below 0.00001 and 0.00001; TOPMed below 0.00001.

Submission:

Labcorp Genetics (formerly Invitae), Labcorp
Classification: Uncertain significance for Aicardi-Goutieres syndrome 3. Last evaluated: 2023-08-10. Review status: criteria provided, single submitter. Criteria: Invitae Variant Classification Sherloc (09022015). Collection method: clinical testing. Allele origin: germline.
Comment: ClinVar contains an entry for this variant (Variation ID: 1365507). An algorithm developed to predict the effect of missense changes on protein structure and function (PolyPhen-2) suggests that this variant is likely to be disruptive. In summary, the available evidence is currently insufficient to determine the role of this variant in disease. Therefore, it has been classified as a Variant of Uncertain Significance. This missense change has been observed in individual(s) with Aicardi-Goutieres syndrome (Invitae). This variant is present in population databases (no rsID available, gnomAD 0.009%). This sequence change replaces phenylalanine, which is neutral and non-polar, with cysteine, which is neutral and slightly polar, at codon 126 of the RNASEH2C protein (p.Phe126Cys).